The following is an entry in ClinVar:

ClinVar aggregate classification (germline): Likely pathogenic (1 of 4 stars; one submission).

Conditions:
Inborn genetic diseases. Identifiers: MedGen C0950123, MeSH D030342.

Submission:

Ambry Genetics
Classification: Likely pathogenic for Inborn genetic diseases. Last evaluated: 2026-03-31. Review status: criteria provided, single submitter. Criteria: Ambry Variant Classification Scheme 2023. Collection method: clinical testing. Allele origin: germline.
Comment: The c.91C>T (p.Q31*) alteration, located in exon 2 (coding exon 2) of the BIN1 gene, consists of a C to T substitution at nucleotide position 91. This changes the amino acid from a glutamine (Q) to a stop codon at amino acid position 31. The predicted stop codon occurs in the 5' end of the BIN1 gene. Premature termination codons in the 5&rsquo; end of a gene have been reported to escape nonsense-mediated mRNA decay and/or lead to re-initiation (Rivas, 2015; Lindeboom, 2016; Rhee, 2017). Direct evidence for this variant is unavailable; however, premature termination codons are typically deleterious in nature. This variant was not reported in population-based cohorts in the Genome Aggregation Database (gnomAD). Based on the available evidence, this alteration is classified as likely pathogenic.

NM_139343.3(BIN1):c.91C>T (p.Gln31Ter)

Gene: BIN1 (bridging integrator 1; minus strand). Cytogenetic location: 2q14.3.
Variant type: single nucleotide variant.
Coding change: c.91C>T on transcript NM_139343.3 (MANE Select); coding-DNA position 91, C replaced by T.
Protein change: p.Gln31Ter; replaces glutamine 31 with a stop codon.
Molecular consequence: nonsense.
Genome position (GRCh38, 1-based): chr2:127,076,700, G>A on the plus strand (C>T on the coding strand, the complement: BIN1 is on the minus strand). VCF-style: chr2-127076700-G-A. GRCh37 (hg19) VCF-style: chr2-127834276-G-A.
Other names: c.91C>T, p.Gln31Ter (NM_001320632.2, NM_001320633.2, NM_001320640.2 and 10 more transcripts); c.19C>T, p.Gln7Ter (NM_001320634.1); c.10C>T, p.Gln4Ter (NM_001320642.1); short protein forms Q31*, Q4*, Q7*.
Identifiers: ClinVar variation 4867459 (VCV004867459.1).